The following is an entry in ClinVar:

ClinVar aggregate classification (germline): Uncertain significance. Review status: criteria provided, multiple submitters, no conflicts (2 of 4 stars). 3 submissions from 3 submitters: Uncertain significance (3). Last evaluated 2023-08-10.

Conditions:
Progressive myoclonic epilepsy. Also called: Myoclonic Epilepsies, Progressive; Myoclonus epilepsy; Familial progressive myoclonic epilepsy; Progressive myoclonus epilepsy. Identifiers: Orphanet 308, Orphanet 98261, MedGen C0751778, MONDO:0020074.

Allele frequency attached by ClinVar (database versions not stated): gnomAD exomes below 0.00001 and 0.00001; TOPMed 0.00002; gnomAD 0.00003.
gnomAD v4.1: 6 of 1,612,978 alleles (0.00037%); highest among the groups gnomAD compares: African/African-American, 0.0053%; no homozygotes.

Submissions (3):

Labcorp Genetics (formerly Invitae), Labcorp
Classification: Uncertain significance for Progressive myoclonic epilepsy. Last evaluated: 2023-08-10. Review status: criteria provided, single submitter. Criteria: Invitae Variant Classification Sherloc (09022015). Collection method: clinical testing. Allele origin: germline.
Comment: In summary, the available evidence is currently insufficient to determine the role of this variant in disease. Therefore, it has been classified as a Variant of Uncertain Significance. Algorithms developed to predict the effect of sequence changes on RNA splicing suggest that this variant may disrupt the consensus splice site. An algorithm developed to predict the effect of missense changes on protein structure and function (PolyPhen-2) suggests that this variant¬†is likely to be tolerated. ClinVar contains an entry for this variant (Variation ID: 373528). This variant has not been reported in the literature in individuals affected with CSTB-related conditions. This variant is present in population databases (no rsID available, gnomAD 0.004%). This sequence change replaces lysine, which is basic and polar, with arginine, which is basic and polar, at codon 56 of the CSTB protein (p.Lys56Arg).

Athena Diagnostics
Classification: Uncertain significance. Last evaluated: 2020-10-08. Review status: criteria provided, single submitter. Criteria: Athena Diagnostics criteria. Collection method: clinical testing. Allele origin: unknown.

GeneDx
Classification: Uncertain significance. Last evaluated: 2016-11-21. Review status: criteria provided, single submitter. Criteria: GeneDx Variant Classification (06012015). Collection method: clinical testing. Allele origin: germline. Affected: yes.
Comment: A variant of uncertain significance has been identified in the CSTB gene. The c.167 A>G variant has not been published as a pathogenic variant, nor has it been reported as a benign variant to our knowledge. The c.167 A>G variant was not observed in approximately 6,500 individuals of European and African American ancestry in the NHLBI Exome Sequencing Project, indicating it is not a common benign variant in these populations. Several in-silico splice prediction models predict that c.167 A>G may damage the natural donor site of intron 2 and lead to abnormal gene splicing. However, in the absence of RNA/functional studies, the actual effect of this sequence change in this individual is unknown. If c.167 A>G does not effect splicing, it will result in a K56R missense variant. The K56R variant is a conservative amino acid substitution, which is not likely to impact secondary protein structure as these residues share similar properties. However, this substitution occurs at a position that is conserved in mammals and in silico analysis predicts this variant is probably damaging to the protein structure/function. Therefore, based on the currently available information, it is unclear whether this variant is a pathogenic variant or a rare benign variant.

NM_000100.4(CSTB):c.167A>G (p.Lys56Arg)

Gene: CSTB (cystatin B; minus strand). Cytogenetic location: 21q22.3.
Variant type: single nucleotide variant.
Coding change: c.167A>G on transcript NM_000100.4 (MANE Select); coding-DNA position 167, A replaced by G.
Protein change: p.Lys56Arg; replaces lysine 56 with arginine.
Molecular consequence: missense variant.
Genome position (GRCh38, 1-based): chr21:43,774,659, T>C on the plus strand (A>G on the coding strand, the complement: CSTB is on the minus strand). VCF-style: chr21-43774659-T-C. GRCh37 (hg19) VCF-style: chr21-45194540-T-C.
Other names: short protein forms K56R.
Identifiers: ClinVar variation 373528 (VCV000373528.10), dbSNP rs935774172, ClinGen allele CA16043122.